The following is an entry in ClinVar:

NM_004562.3(PRKN):c.1300A>G (p.Met434Val)

Gene: PRKN (parkin RBR E3 ubiquitin protein ligase; minus strand). Cytogenetic location: 6q26.
Variant type: single nucleotide variant.
Coding change: c.1300A>G on transcript NM_004562.3 (MANE Select); coding-DNA position 1300, A replaced by G.
Protein change: p.Met434Val; replaces methionine 434 with valine.
Molecular consequence: missense variant.
Genome position (GRCh38, 1-based): chr6:161,350,197, T>C on the plus strand (A>G on the coding strand, the complement: PRKN is on the minus strand). VCF-style: chr6-161350197-T-C. GRCh37 (hg19) VCF-style: chr6-161771229-T-C.
Other names: c.1216A>G, p.Met406Val (NM_013987.3); c.853A>G, p.Met285Val (NM_013988.3); short protein forms M434V, M406V, M285V.
Identifiers: ClinVar variation 3218867 (VCV003218867.2), dbSNP rs774317638, ClinGen allele CA4089942.

ClinVar aggregate classification (germline): Uncertain significance. Review status: criteria provided, multiple submitters, no conflicts (2 of 4 stars). 2 submissions from 2 submitters: Uncertain significance (2). Last evaluated 2025-05-01.

Conditions:
Inborn genetic diseases. Identifiers: MedGen C0950123, MeSH D030342.

Allele frequency attached by ClinVar (database versions not stated): TOPMed 0.00001; gnomAD exomes 0.00002; ExAC 0.00004.
gnomAD v4.1: 11 of 1,613,160 alleles (0.00068%); highest among the groups gnomAD compares: Admixed American, 0.018%; no homozygotes.

Submissions (2):

GeneDx
Classification: Uncertain significance. Last evaluated: 2025-05-01. Review status: criteria provided, single submitter. Criteria: GeneDx Variant Classification Process June 2021. Collection method: clinical testing. Allele origin: germline. Affected: yes.
Comment: In silico analysis supports that this missense variant has a deleterious effect on protein structure/function; Has not been previously published as pathogenic or benign to our knowledge

Ambry Genetics
Classification: Uncertain significance for Inborn genetic diseases. Last evaluated: 2023-10-30. Review status: criteria provided, single submitter. Criteria: Ambry Variant Classification Scheme 2023. Collection method: clinical testing. Allele origin: germline.